The following is an entry in ClinVar:

NM_001378414.1(HDAC4):c.921C>T (p.Ser307=)

Gene: HDAC4 (histone deacetylase 4; minus strand). Cytogenetic location: 2q37.3.
Variant type: single nucleotide variant.
Coding change: c.921C>T on transcript NM_001378414.1 (MANE Select); coding-DNA position 921, C replaced by T.
Protein change: p.Ser307=; no amino-acid change (serine 307 retained).
Molecular consequence: synonymous variant.
Genome position (GRCh38, 1-based): chr2:239,139,741, G>A on the plus strand (C>T on the coding strand, the complement: HDAC4 is on the minus strand). VCF-style: chr2-239139741-G-A. GRCh37 (hg19) VCF-style: chr2-240061437-G-A.
Other names: c.921C>T, p.Ser307= (NM_001378415.1, NM_001378416.1, NM_001378417.1 and 1 more transcripts).
Identifiers: ClinVar variation 3040320 (VCV003040320.2), dbSNP rs192162242, ClinGen allele CA2200011.

ClinVar aggregate classification (germline): Likely benign (0 of 4 stars; one submission).

Conditions:
HDAC4-related disorder. Also called: HDAC4-related condition.

Allele frequency attached by ClinVar (database versions not stated): gnomAD exomes 0.00001; ExAC 0.00002; TOPMed 0.00002; gnomAD 0.00005; ESP Exome Variant Server 0.00008; 1000 Genomes Project 0.00060; 1000 Genomes Project 30x 0.00062.
gnomAD v4.1: 26 of 1,614,116 alleles (0.0016%); highest among the groups gnomAD compares: Middle Eastern, 0.049%; no homozygotes.

Submission:

PreventionGenetics, part of Exact Sciences
Classification: Likely benign for HDAC4-related condition. Last evaluated: 2019-09-17. Review status: no assertion criteria provided. Collection method: clinical testing. Allele origin: germline.
Comment: This variant is classified as likely benign based on ACMG/AMP sequence variant interpretation guidelines (Richards et al. 2015 PMID: 25741868, with internal and published modifications).